The following is an entry in ClinVar:

NM_006231.4(POLE):c.2708A>T (p.Glu903Val)

Gene: POLE (DNA polymerase epsilon, catalytic subunit; minus strand). Cytogenetic location: 12q24.33.
Variant type: single nucleotide variant.
Coding change: c.2708A>T on transcript NM_006231.4 (MANE Select); coding-DNA position 2708, A replaced by T.
Protein change: p.Glu903Val; replaces glutamic acid 903 with valine.
Molecular consequence: missense variant.
Genome position (GRCh38, 1-based): chr12:132,661,683, T>A on the plus strand (A>T on the coding strand, the complement: POLE is on the minus strand). VCF-style: chr12-132661683-T-A. GRCh37 (hg19) VCF-style: chr12-133238269-T-A.
Other names: short protein forms E903V.
Identifiers: ClinVar variation 937463 (VCV000937463.9), dbSNP rs2042685645, ClinGen allele CA387394072.

ClinVar aggregate classification (germline): Uncertain significance (1 of 4 stars; one submission).

Allele frequency attached by ClinVar (database versions not stated): gnomAD exomes below 0.00001.
gnomAD v4.1: 1 of 1,613,636 alleles (0.000062%); highest among the groups gnomAD compares: Non-Finnish European, 0.000085%; no homozygotes.

Submission:

Labcorp Genetics (formerly Invitae), Labcorp
Classification: Uncertain significance. Last evaluated: 2020-05-29. Review status: criteria provided, single submitter. Criteria: Invitae Variant Classification Sherloc (09022015). Collection method: clinical testing. Allele origin: germline.
Comment: Algorithms developed to predict the effect of missense changes on protein structure and function (SIFT, PolyPhen-2, Align-GVGD) all suggest that this variant is likely to be disruptive, but these predictions have not been confirmed by published functional studies and their clinical significance is uncertain. Algorithms developed to predict the effect of sequence changes on RNA splicing suggest that this variant may create or strengthen a splice site, but this prediction has not been confirmed by published transcriptional studies. In summary, the available evidence is currently insufficient to determine the role of this variant in disease. Therefore, it has been classified as a Variant of Uncertain Significance. This variant has not been reported in the literature in individuals with POLE-related conditions. This variant is not present in population databases (ExAC no frequency). This sequence change replaces glutamic acid with valine at codon 903 of the POLE protein (p.Glu903Val). The glutamic acid residue is highly conserved and there is a moderate physicochemical difference between glutamic acid and valine.